The following is an entry in ClinVar:

ClinVar aggregate classification (germline): Uncertain significance (1 of 4 stars; one submission).

Submission:

Illumina Laboratory Services, Illumina
Classification: Uncertain significance. Last evaluated: 2020-09-30. Review status: criteria provided, single submitter. Criteria: ICSL CNVClassificationCriteria Aug2020. Collection method: clinical testing. Allele origin: unknown.
Comment: This CNV is an inherited 10 kb deletion on chromosome 7 at 7q31.1, (seq[GRCh37]del(7)(q31.1); chr7:g.113923511_113933967del). This event is located in the 5-prime region of the canonical and predominant human isoforms of the FOXP2, which are encoded by transcripts NM_148898.4 and NM_014491.4, respectively (Estruch et al. 2016; Morgan et al. 2016). However, it is predicted to delete a single exon, which is present in at least one alternate transcript of the FOXP2 gene, most notably NM_148899.3, and is located in close proximity to putative regulatory elements of the FOXP2 gene (Becker et al. 2018). In the literature, a similar event is reported by Zimmerman and Maron (2016) in an infant with severe neonatal feeding problems. Segregation details are unavailable in this case. Similar events have also been submitted to the ClinVar Database by clinical laboratories and are reported to have been identified in individuals with features including speech and language disorders, tic disorder, Tourette syndrome, cramp spasm and extrapyramidal movement disorder (Landrum et al. 2018). However, larger losses that fully encompass this event have also been reported in control individuals from the Database of Genomic Variants (MacDonald et al. 2014) and the Copy Number Variation Morbidity Map of Developmental Delay (Cooper et al. 2011). Based on the collective evidence and unknown impacts of this event on FOXP2 expression in vivo, this CNV is classified as a variant of uncertain significance.

Literature cited by the submitters: PubMed 21841781; PubMed 24174537; PubMed 27148578; PubMed 27336128; PubMed 27933109; PubMed 29515369; PubMed 29165669.

GRCh37/hg19 7q31.1(chr7:113923511-113933967)x1

Gene: FOXP2 (forkhead box P2; plus strand). Cytogenetic location: 7q31.1.
Variant type: copy number loss.
Change: copy number 1 (one copy instead of two) of chr7:113,923,511-113,933,967 (10.5 kb, GRCh37 coordinates, 1-based), cytogenetic band 7q31.1.
Identifiers: ClinVar variation 988917 (VCV000988917.4).